The following is an entry in ClinVar:

ClinVar aggregate classification (germline): Uncertain significance. Review status: criteria provided, multiple submitters, no conflicts (2 of 4 stars). 2 submissions from 2 submitters: Uncertain significance (2). Last evaluated 2025-12-31.

Conditions:
Inborn genetic diseases. Identifiers: MedGen C0950123, MeSH D030342.

Allele frequency attached by ClinVar (database versions not stated): gnomAD exomes 0.00003 and 0.00006; gnomAD 0.00007; ExAC 0.00008; ESP Exome Variant Server 0.00008; TOPMed 0.00009.
gnomAD v4.1: 56 of 1,612,026 alleles (0.0035%); highest among the groups gnomAD compares: African/African-American, 0.013%; no homozygotes.

Submissions (2):

Labcorp Genetics (formerly Invitae), Labcorp
Classification: Uncertain significance. Last evaluated: 2025-12-31. Review status: criteria provided, single submitter. Criteria: Invitae Variant Classification Sherloc (09022015). Collection method: clinical testing. Allele origin: germline.
Comment: This sequence change replaces arginine, which is basic and polar, with cysteine, which is neutral and slightly polar, at codon 486 of the MATN3 protein (p.Arg486Cys). This variant is present in population databases (rs370798785, gnomAD 0.02%). This variant has not been reported in the literature in individuals affected with MATN3-related conditions. ClinVar contains an entry for this variant (Variation ID: 1449969). An algorithm developed to predict the effect of missense changes on protein structure and function (PolyPhen-2) suggests that this variant is likely to be disruptive. In summary, the available evidence is currently insufficient to determine the role of this variant in disease. Therefore, it has been classified as a Variant of Uncertain Significance.

Ambry Genetics
Classification: Uncertain significance for Inborn genetic diseases. Last evaluated: 2024-06-04. Review status: criteria provided, single submitter. Criteria: Ambry Variant Classification Scheme 2023. Collection method: clinical testing. Allele origin: germline.

NM_002381.5(MATN3):c.1456C>T (p.Arg486Cys)

Genes: MATN3 (matrilin 3; minus strand), WDR35-DT (WDR35 divergent transcript; plus strand). Cytogenetic location: 2p24.1.
Variant type: single nucleotide variant.
Coding change: c.1456C>T on transcript NM_002381.5 (MANE Select); coding-DNA position 1456, C replaced by T.
Protein change: p.Arg486Cys; replaces arginine 486 with cysteine.
Molecular consequence: missense variant.
Genome position (GRCh38, 1-based): chr2:19,993,116, G>A on the plus strand (C>T on the coding strand, the complement: MATN3 is on the minus strand). VCF-style: chr2-19993116-G-A. GRCh37 (hg19) VCF-style: chr2-20192877-G-A.
Other names: c.1456C>T (NM_002381.4); short protein forms R486C.
Identifiers: ClinVar variation 1449969 (VCV001449969.7), dbSNP rs370798785, ClinGen allele CA1543696.
Genomic context (GRCh38, chr2:19,993,116, plus strand): 5'-ATGAGTATTAAGTACACCAAGCTGTCCACATTTTCAGGTGAGAAATTGGAGCAATTTAAC[G>A]ATGTATTTGTCCATATTCATTTATTTTCAACTTCTCCAAAATGTCATCAAGTGGCAAGTT-3'
Protein context (NP_002372.1, residues 476-486): LKINEYGQIH[Arg486Cys]